The following is an entry in ClinVar:

NM_002408.4(MGAT2):c.733G>C (p.Val245Leu)

Gene: MGAT2 (alpha-1,6-mannosyl-glycoprotein 2-beta-N-acetylglucosaminyltransferase; plus strand). Cytogenetic location: 14q21.3.
Variant type: single nucleotide variant.
Coding change: c.733G>C on transcript NM_002408.4 (MANE Select); coding-DNA position 733, G replaced by C.
Protein change: p.Val245Leu; replaces valine 245 with leucine.
Molecular consequence: missense variant.
Genome position (GRCh38, 1-based): chr14:49,622,001, G>C. VCF-style: chr14-49622001-G-C. GRCh37 (hg19) VCF-style: chr14-50088719-G-C.
Other names: short protein forms V245L.
Identifiers: ClinVar variation 94062 (VCV000094062.22), dbSNP rs117536357, ClinGen allele CA221941.

ClinVar aggregate classification (germline): Uncertain significance. Review status: criteria provided, multiple submitters, no conflicts (2 of 4 stars). 8 submissions from 8 submitters: Uncertain significance (7). 1 of the submissions does not count toward it. Last evaluated 2025-10-21.

Conditions:
MGAT2-congenital disorder of glycosylation. Also called: MENTAL RETARDATION, GROWTH RETARDATION, PROMINENT COLUMELLA, AND OPEN MOUTH; Alkuraya syndrome; CDG IIa; MGAT2-CDG; Congenital disorder of glycosylation, type IIa. Identifiers: Orphanet 79329, MedGen C2931008, MONDO:0008908, OMIM 212066.

Allele frequency attached by ClinVar (database versions not stated): 1000 Genomes Project 0.00100; ESP Exome Variant Server 0.00131; gnomAD 0.00097 and 0.00100; 1000 Genomes Project 30x 0.00125; TOPMed 0.00108.
gnomAD v4.1: 2,466 of 1,614,190 alleles (0.15%); highest among the groups gnomAD compares: Middle Eastern, 0.3%; no homozygotes.

Submissions (8):

Labcorp Genetics (formerly Invitae), Labcorp
Classification: Uncertain significance for MGAT2-congenital disorder of glycosylation. Last evaluated: 2025-10-21. Review status: criteria provided, single submitter. Criteria: Invitae Variant Classification Sherloc (09022015). Collection method: clinical testing. Allele origin: germline.
Comment: This sequence change replaces valine, which is neutral and non-polar, with leucine, which is neutral and non-polar, at codon 245 of the MGAT2 protein (p.Val245Leu). This variant is present in population databases (rs117536357, gnomAD 0.2%), and has an allele count higher than expected for a pathogenic variant. This missense change has been observed in individual(s) with clinical features of a congenital disorder of glycosylation (PMID: 23806237). ClinVar contains an entry for this variant (Variation ID: 94062). Invitae Evidence Modeling of protein sequence and biophysical properties (such as structural, functional, and spatial information, amino acid conservation, physicochemical variation, residue mobility, and thermodynamic stability) indicates that this missense variant is not expected to disrupt MGAT2 protein function with a negative predictive value of 80%. In summary, the available evidence is currently insufficient to determine the role of this variant in disease. Therefore, it has been classified as a Variant of Uncertain Significance.

GeneDx
Classification: Uncertain significance. Last evaluated: 2019-07-24. Review status: criteria provided, single submitter. Criteria: GeneDx Variant Classification Process June 2021. Collection method: clinical testing. Allele origin: germline. Affected: yes.
Comment: Reported previously in published literature in an individual submitted for NGS panel testing for congenital disorders of glycosylation; no additional phenotypic or familial segregation details were provided (Jones et al., 2013); In silico analysis, which includes protein predictors and evolutionary conservation, supports that this variant does not alter protein structure/function; Observed in 273/277240 (0.099%) alleles in large population cohorts (Lek et al., 2016); This variant is associated with the following publications: (PMID: 23806237)

Mayo Clinic Laboratories, Mayo Clinic
Classification: Uncertain significance. Last evaluated: 2019-04-17. Review status: criteria provided, single submitter. Criteria: ACMG Guidelines, 2015. Collection method: clinical testing. Allele origin: germline. Observed: 1 variant allele.

Fulgent Genetics
Classification: Uncertain significance for MGAT2-congenital disorder of glycosylation. Last evaluated: 2018-10-31. Review status: criteria provided, single submitter. Criteria: ACMG Guidelines, 2015. Collection method: clinical testing. Allele origin: unknown.

Illumina Laboratory Services, Illumina
Classification: Uncertain significance for MGAT2-congenital disorder of glycosylation. Last evaluated: 2017-04-27. Review status: criteria provided, single submitter. Criteria: ICSL Variant Classification Criteria 13 December 2019. Collection method: clinical testing. Allele origin: germline.
Comment: This variant was observed as part of a predisposition screen in an ostensibly healthy population. A literature search was performed for the gene, cDNA change, and amino acid change (where applicable). Publications were found based on this search. However, the evidence from the literature, in combination with allele frequency data from public databases where available, was not sufficient to rule this variant in or out of causing disease. Therefore, this variant is classified as a variant of unknown significance.

Center for Pediatric Genomic Medicine, Children's Mercy Hospital and Clinics
Classification: Uncertain significance. Last evaluated: 2015-10-09. Review status: criteria provided, single submitter. Criteria: ACMG Guidelines, 2015. Collection method: clinical testing. Allele origin: germline.
ClinVar note: Converted during submission from Uncertain Significance to Uncertain significance.

Eurofins Ntd Llc (ga)
Classification: Uncertain significance. Last evaluated: 2013-03-14. Review status: criteria provided, single submitter. Criteria: EGL Classification Definitions 2015. Collection method: clinical testing. Allele origin: germline. Observed: 3 variant alleles, 3 heterozygotes.

Department of Pathology and Laboratory Medicine, Sinai Health System
Classification: Uncertain significance. Review status: no assertion criteria provided. Collection method: clinical testing. Allele origin: unknown. Affected: yes. Study: The Canadian Open Genetics Repository (COGR). Not counted in ClinVar's aggregate classification.
Comment: The MGAT2 p.Val245Leu variant was not identified in the literature nor was it identified in Cosmic. The variant was identified in dbSNP (ID: rs117536357), ClinVar (classified as a VUS by EGL Genetics Diagnostics and Center for Pediatric Genomic Medicine, Children's Mercy Hospital) and LOVD 3.0. The variant was also identified in control databases in 284 of 282872 chromosomes (1 homozygous) at a frequency of 0.001004 increasing the likelihood this could be a low frequency benign variant (Genome Aggregation Database Feb 27, 2017). The variant was observed in the following populations: Other in 16 of 7224 chromosomes (freq: 0.002215), European (non-Finnish) in 226 of 129192 chromosomes (freq: 0.001749), Ashkenazi Jewish in 15 of 10370 chromosomes (freq: 0.001446), European (Finnish) in 11 of 25116 chromosomes (freq: 0.000438), Latino in 12 of 35440 chromosomes (freq: 0.000339), African in 3 of 24960 chromosomes (freq: 0.00012) and South Asian in 1 of 30616 chromosomes (freq: 0.000033); it was not observed in the East Asian population. The variant occurs outside of the splicing consensus sequence and in silico or computational prediction software programs (SpliceSiteFinder, MaxEntScan, NNSPLICE, GeneSplicer) do not predict a difference in splicing. The p.Val245 residue is conserved in mammals but not in more distantly related organisms and four out of five computational analyses (PolyPhen-2, SIFT, AlignGVGD, BLOSUM, MutationTaster) do not suggest a high likelihood of impact to the protein; this information is not predictive enough to rule out pathogenicity. In summary, based on the above information the clinical significance of this variant cannot be determined with certainty at this time. This variant is classified as a variant of uncertain significance.

Literature cited by the submitters: PubMed 23806237 (cited by Labcorp Genetics (formerly Invitae), Labcorp and Illumina Laboratory Services, Illumina).